The following is an entry in ClinVar:

ClinVar aggregate classification (germline): Uncertain significance. Review status: criteria provided, multiple submitters, no conflicts (2 of 4 stars). 6 submissions from 6 submitters: Uncertain significance (5). 1 of the submissions does not count toward it. Last evaluated 2025-05-24.

Conditions:
PMM2-congenital disorder of glycosylation. Also called: PMM2-CDG; JAEKEN SYNDROME; PHOSPHOMANNOMUTASE 2 DEFICIENCY; Congenital disorder of glycosylation, type Ia; CARBOHYDRATE-DEFICIENT GLYCOPROTEIN SYNDROME, TYPE Ia; CDG Ia. Identifiers: Orphanet 79318, MedGen C0349653, MONDO:0008907, OMIM 212065.

Allele frequency attached by ClinVar (database versions not stated): ExAC 0.00001; gnomAD 0.00001; gnomAD exomes 0.00001; TOPMed 0.00001.
gnomAD v4.1: 14 of 1,611,464 alleles (0.00087%); highest among the groups gnomAD compares: Middle Eastern, 0.016%; no homozygotes.

Submissions (6):

GeneDx
Classification: Uncertain significance. Last evaluated: 2025-05-24. Review status: criteria provided, single submitter. Criteria: GeneDx Variant Classification Process June 2021. Collection method: clinical testing. Allele origin: germline. Affected: yes.
Comment: Not observed at significant frequency in large population cohorts (gnomAD); In silico analysis suggests that this missense variant does not alter protein structure/function; Has not been previously published as pathogenic or benign to our knowledge

Blueprint Genetics
Classification: Uncertain significance. Last evaluated: 2024-10-17. Review status: criteria provided, single submitter. Criteria: ACMG Guidelines, 2015. Collection method: clinical testing. Allele origin: germline.

Daryl Scott Lab, Baylor College of Medicine
Classification: Uncertain significance for PMM2-congenital disorder of glycosylation. Last evaluated: 2024-04-01. Review status: criteria provided, single submitter. Criteria: ACMG Guidelines, 2015. Collection method: clinical testing. Allele origin: biparental. Observed: 1 homozygote.
Comment: PM2

Labcorp Genetics (formerly Invitae), Labcorp
Classification: Uncertain significance for PMM2-congenital disorder of glycosylation. Last evaluated: 2022-07-29. Review status: criteria provided, single submitter. Criteria: Invitae Variant Classification Sherloc (09022015). Collection method: clinical testing. Allele origin: germline.
Comment: This sequence change replaces glycine, which is neutral and non-polar, with aspartic acid, which is acidic and polar, at codon 5 of the PMM2 protein (p.Gly5Asp). This variant is present in population databases (rs773813007, gnomAD 0.002%). This variant has not been reported in the literature in individuals affected with PMM2-related conditions. ClinVar contains an entry for this variant (Variation ID: 863725). Advanced modeling of protein sequence and biophysical properties (such as structural, functional, and spatial information, amino acid conservation, physicochemical variation, residue mobility, and thermodynamic stability) performed at Invitae indicates that this missense variant is expected to disrupt PMM2 protein function. In summary, the available evidence is currently insufficient to determine the role of this variant in disease. Therefore, it has been classified as a Variant of Uncertain Significance.

Fulgent Genetics
Classification: Uncertain significance for PMM2-congenital disorder of glycosylation. Last evaluated: 2021-08-26. Review status: criteria provided, single submitter. Criteria: ACMG Guidelines, 2015. Collection method: clinical testing. Allele origin: unknown.

Natera, Inc.
Classification: Uncertain significance for Congenital disorder of glycosylation type 1a. Last evaluated: 2020-09-03. Review status: no assertion criteria provided. Collection method: clinical testing. Allele origin: germline. Not counted in ClinVar's aggregate classification.

NM_000303.3(PMM2):c.14G>A (p.Gly5Asp)

Gene: PMM2 (phosphomannomutase 2; plus strand). Cytogenetic location: 16p13.2.
Variant type: single nucleotide variant.
Coding change: c.14G>A on transcript NM_000303.3 (MANE Select); coding-DNA position 14, G replaced by A.
Protein change: p.Gly5Asp; replaces glycine 5 with aspartic acid.
Molecular consequence: missense variant.
Genome position (GRCh38, 1-based): chr16:8,797,896, G>A. VCF-style: chr16-8797896-G-A. GRCh37 (hg19) VCF-style: chr16-8891753-G-A.
Other names: short protein forms G5D.
Identifiers: ClinVar variation 863725 (VCV000863725.15), dbSNP rs773813007, ClinGen allele CA7893850.
Genomic context (GRCh38, chr16:8,797,896, plus strand): 5'-TTCCTCGTGCCAACGTGTCTTGTAAGGTGCGGCTAGAAACTGGGGACATGGCAGCGCCTG[G>A]CCCAGCGCTCTGCCTCTTCGACGTGGATGGGACCCTCACCGCCCCGCGGCAGGTAAGTGG-3'
Protein context (NP_000294.1, residues 1-15): MAAP[Gly5Asp]PALCLFDVDG